The following is an entry in ClinVar:

NM_139315.3(TAF6):c.1991A>G (p.Asn664Ser)

Genes: AP4M1 (adaptor related protein complex 4 subunit mu 1; plus strand), TAF6 (TATA-box binding protein associated factor 6; minus strand). Cytogenetic location: 7q22.1.
Variant type: single nucleotide variant.
Coding change: c.1991A>G on transcript NM_139315.3 (MANE Select); coding-DNA position 1991, A replaced by G.
Protein change: p.Asn664Ser; replaces asparagine 664 with serine.
Molecular consequence: missense variant. On other transcripts: 3 prime UTR variant (11), non-coding transcript variant (2).
Genome position (GRCh38, 1-based): chr7:100,107,289, T>C on the plus strand (A>G on the coding strand, the complement: TAF6 is on the minus strand). VCF-style: chr7-100107289-T-C. GRCh37 (hg19) VCF-style: chr7-99704912-T-C.
Other names: c.*407T>C (NM_004722.4, NM_001438829.1, NM_001438830.1 and 8 more transcripts); c.2102A>G, p.Asn701Ser (NM_001190415.2); c.1991A>G, p.Asn664Ser (NM_001364998.1, NM_001364999.1, NM_005641.4); c.1961A>G, p.Asn654Ser (NM_001365000.1, NM_001365001.1, NM_001365002.1 and 1 more transcripts); c.2129A>G, p.Asn710Ser (NM_001365004.1); short protein forms N654S, N701S, N710S, N664S.
Identifiers: ClinVar variation 4704273 (VCV004704273.1).

ClinVar aggregate classification (germline): Uncertain significance (1 of 4 stars; one submission).

gnomAD v4.1: 14 of 1,524,026 alleles (0.00092%); highest among the groups gnomAD compares: African/African-American, 0.0042%; no homozygotes.

Submission:

Labcorp Genetics (formerly Invitae), Labcorp
Classification: Uncertain significance. Last evaluated: 2025-10-08. Review status: criteria provided, single submitter. Criteria: Invitae Variant Classification Sherloc (09022015). Collection method: clinical testing. Allele origin: germline.
Comment: This sequence change replaces asparagine, which is neutral and polar, with serine, which is neutral and polar, at codon 664 of the TAF6 protein (p.Asn664Ser). This variant is present in population databases (rs761559140, gnomAD 0.007%). This variant has not been reported in the literature in individuals affected with TAF6-related conditions. An algorithm developed to predict the effect of missense changes on protein structure and function (PolyPhen-2) suggests that this variant is likely to be tolerated. In summary, the available evidence is currently insufficient to determine the role of this variant in disease. Therefore, it has been classified as a Variant of Uncertain Significance.